The following is an entry in ClinVar:

NM_000747.3(CHRNB1):c.1364C>A (p.Ala455Glu)

Gene: CHRNB1 (cholinergic receptor nicotinic beta 1 subunit; plus strand). Cytogenetic location: 17p13.1.
Variant type: single nucleotide variant.
Coding change: c.1364C>A on transcript NM_000747.3 (MANE Select); coding-DNA position 1364, C replaced by A.
Protein change: p.Ala455Glu; replaces alanine 455 with glutamic acid.
Molecular consequence: missense variant.
Genome position (GRCh38, 1-based): chr17:7,455,940, C>A. VCF-style: chr17-7455940-C-A. GRCh37 (hg19) VCF-style: chr17-7359259-C-A.
Other names: c.1364C>A (NM_000747.2); short protein forms A455E.
Identifiers: ClinVar variation 1016707 (VCV001016707.10), dbSNP rs777159945, ClinGen allele CA8348048.

ClinVar aggregate classification (germline): Uncertain significance. Review status: criteria provided, multiple submitters, no conflicts (2 of 4 stars). 3 submissions from 3 submitters: Uncertain significance (3). Last evaluated 2025-01-02.

Conditions:
Congenital myasthenic syndrome 2A. Also called: Myasthenic syndrome, congenital, 2a, slow-channel. Identifiers: Orphanet 590, MedGen C4225374, MONDO:0014581, OMIM 616313.
Inborn genetic diseases. Identifiers: MedGen C0950123, MeSH D030342.

Allele frequency attached by ClinVar (database versions not stated): TOPMed 0.00002.
gnomAD v4.1: 40 of 1,598,856 alleles (0.0025%); highest among the groups gnomAD compares: Admixed American, 0.068%; no homozygotes.

Submissions (3):

Labcorp Genetics (formerly Invitae), Labcorp
Classification: Uncertain significance for Congenital myasthenic syndrome 2A. Last evaluated: 2025-01-02. Review status: criteria provided, single submitter. Criteria: Invitae Variant Classification Sherloc (09022015). Collection method: clinical testing. Allele origin: germline.
Comment: This sequence change replaces alanine, which is neutral and non-polar, with glutamic acid, which is acidic and polar, at codon 455 of the CHRNB1 protein (p.Ala455Glu). This variant is present in population databases (rs777159945, gnomAD 0.09%). This variant has not been reported in the literature in individuals affected with CHRNB1-related conditions. ClinVar contains an entry for this variant (Variation ID: 1016707). An algorithm developed to predict the effect of missense changes on protein structure and function (PolyPhen-2) suggests that this variant is likely to be tolerated. In summary, the available evidence is currently insufficient to determine the role of this variant in disease. Therefore, it has been classified as a Variant of Uncertain Significance.

Revvity Omics, Revvity
Classification: Uncertain significance. Last evaluated: 2022-02-03. Review status: criteria provided, single submitter. Criteria: ACMG Guidelines, 2015. Collection method: clinical testing. Allele origin: germline.

Ambry Genetics
Classification: Uncertain significance for Inborn genetic diseases. Last evaluated: 2021-09-09. Review status: criteria provided, single submitter. Criteria: Ambry Variant Classification Scheme 2023. Collection method: clinical testing. Allele origin: germline.